The following is an entry in ClinVar:

NM_058216.3(RAD51C):c.341G>A (p.Gly114Glu)

Gene: RAD51C (RAD51 paralog C; plus strand). Cytogenetic location: 17q22.
Variant type: single nucleotide variant.
Coding change: c.341G>A on transcript NM_058216.3 (MANE Select); coding-DNA position 341, G replaced by A.
Protein change: p.Gly114Glu; replaces glycine 114 with glutamic acid.
Molecular consequence: missense variant. On other transcripts: non-coding transcript variant (2).
Genome position (GRCh38, 1-based): chr17:58,695,126, G>A. VCF-style: chr17-58695126-G-A. GRCh37 (hg19) VCF-style: chr17-56772487-G-A.
Other names: c.341G>A, p.Gly114Glu (NM_002876.4, NM_058217.1); short protein forms G114E.
Identifiers: ClinVar variation 3228952 (VCV003228952.3), dbSNP rs1555593767, ClinGen allele CA400341427.

ClinVar aggregate classification (germline): Likely pathogenic. Review status: criteria provided, multiple submitters, no conflicts (2 of 4 stars). 2 submissions from 2 submitters: Likely pathogenic (2). Last evaluated 2026-02-25.

Conditions:
Breast-ovarian cancer, familial, susceptibility to, 3. Also called: RAD51C-Related Breast/Ovarian Cancer. Identifiers: Orphanet 145, MedGen C3150659, MONDO:0013253, OMIM 613399.
Hereditary cancer-predisposing syndrome. Also called: Neoplastic Syndromes, Hereditary; Tumor predisposition; Hereditary neoplastic syndrome; Hereditary Cancer Syndrome. Identifiers: Orphanet 140162, MedGen C0027672, MeSH D009386, MONDO:0015356.

Submissions (2):

Myriad Genetics, Inc.
Classification: Likely pathogenic for Breast-ovarian cancer, familial, susceptibility to, 3. Last evaluated: 2026-02-25. Review status: criteria provided, single submitter. Criteria: Myriad Autosomal Dominant, Autosomal Recessive and X-Linked Classification Criteria (2023). Collection method: clinical testing. Allele origin: unknown.
Comment: This variant is considered likely pathogenic. Functional studies indicate this variant impacts protein function [PMID: 39299233]. This variant is expected to disrupt protein structure [Myriad internal data].

Ambry Genetics
Classification: Likely pathogenic for Hereditary cancer-predisposing syndrome. Last evaluated: 2025-09-03. Review status: criteria provided, single submitter. Criteria: Ambry Variant Classification Scheme 2023. Collection method: clinical testing. Allele origin: germline.
Comment: The p.G114E variant (also known as c.341G>A), located in coding exon 2 of the RAD51C gene, results from a G to A substitution at nucleotide position 341. The glycine at codon 114 is replaced by glutamic acid, an amino acid with similar properties. This amino acid position is conserved. In addition, this alteration is predicted to be deleterious by in silico analysis. In a homology-directed DNA repair (HDR) assay, this alteration showed a functionally abnormal read-out (Olvera-Le&oacute;n R et al Cell 2024 Oct;187(20):5719-5734.e19). This variant is considered to be rare based on population cohorts in the Genome Aggregation Database (gnomAD). Based on the majority of available evidence to date, this variant is likely to be pathogenic.

Literature cited by the submitters: PubMed 39299233 (cited by Myriad Genetics, Inc. and Ambry Genetics).